The following is an entry in ClinVar:

ClinVar aggregate classification (germline): Uncertain significance (1 of 4 stars; one submission).

Allele frequency attached by ClinVar (database versions not stated): ExAC 0.00001; gnomAD 0.00001; TOPMed 0.00001.
gnomAD v4.1: 29 of 1,611,754 alleles (0.0018%); highest among the groups gnomAD compares: Non-Finnish European, 0.0024%; no homozygotes.

Submission:

GeneDx
Classification: Uncertain significance. Last evaluated: 2023-10-31. Review status: criteria provided, single submitter. Criteria: GeneDx Variant Classification Process June 2021. Collection method: clinical testing. Allele origin: germline. Affected: yes.
Comment: Has not been previously published as pathogenic or benign to our knowledge; Not observed at significant frequency in large population cohorts (gnomAD); Canonical splice site variant predicted to result in a null allele in a gene for which loss of function is a known mechanism of disease; Reported using an alternate transcript of the gene

NM_000093.5(COL5A1):c.5136+105G>A

Genes: COL5A1 (collagen type V alpha 1 chain; plus strand), LOC101448202 (uncharacterized LOC101448202; minus strand). Cytogenetic location: 9q34.3.
Variant type: single nucleotide variant.
Coding change: c.5136+105G>A on transcript NM_000093.5 (MANE Select); 105 bases into the intron after coding-DNA position 5136, G replaced by A.
Molecular consequence: intron variant. On other transcripts: nonsense (1).
Genome position (GRCh38, 1-based): chr9:134,830,149, G>A. VCF-style: chr9-134830149-G-A. GRCh37 (hg19) VCF-style: chr9-137721995-G-A.
Other names: c.5109G>A, p.Trp1703Ter (NM_001278074.1); short protein forms W1703*.
Identifiers: ClinVar variation 2663695 (VCV002663695.1), dbSNP rs758147752, ClinGen allele CA5320624.
Genomic context (GRCh38, chr9:134,830,149, plus strand): 5'-CCCATCTCGTATCTTACAGAGTAAAATGGCCCGCTGGCCCAAAGAGCAGCCTTCCACCTG[G>A]TATAGTCAGTACAAGCGGGGGTCCCTGGTAAGTGGCCACCTCGGCCCGGCCACCTCGGCA-3'